The following is an entry in ClinVar:

NM_007078.3(LDB3):c.680T>A (p.Leu227His)

Gene: LDB3 (LIM domain binding 3; plus strand). Cytogenetic location: 10q23.2.
Variant type: single nucleotide variant.
Coding change: c.680T>A on transcript NM_007078.3 (MANE Select); coding-DNA position 680, T replaced by A.
Protein change: p.Leu227His; replaces leucine 227 with histidine.
Molecular consequence: missense variant. On other transcripts: intron variant (5).
Genome position (GRCh38, 1-based): chr10:86,681,794, T>A. VCF-style: chr10-86681794-T-A. GRCh37 (hg19) VCF-style: chr10-88441551-T-A.
Other names: c.321+1637T>A (NM_001080114.2, NM_001368067.1, NM_001080116.1 and 2 more transcripts); c.680T>A, p.Leu227His (NM_001080115.2, NM_001171610.2, NM_001171611.2 and 3 more transcripts); c.680T>A (NM_007078.2); short protein forms L227H.
Identifiers: ClinVar variation 1607470 (VCV001607470.9), dbSNP rs888143005, ClinGen allele CA211212491.

ClinVar aggregate classification (germline): Uncertain significance. Review status: criteria provided, multiple submitters, no conflicts (2 of 4 stars). 2 submissions from 2 submitters: Uncertain significance (2). Last evaluated 2025-09-01.

Conditions:
Cardiovascular phenotype. Identifiers: MedGen CN230736.
Myofibrillar myopathy 4. Also called: Zaspopathy (type). Identifiers: Orphanet 98912, MedGen C4721886, MONDO:0012277, OMIM 609452.

Allele frequency attached by ClinVar (database versions not stated): TOPMed below 0.00001.

Submissions (2):

Ambry Genetics
Classification: Uncertain significance for Cardiovascular phenotype. Last evaluated: 2025-09-01. Review status: criteria provided, single submitter. Criteria: Ambry Variant Classification Scheme 2023. Collection method: clinical testing. Allele origin: germline.

Labcorp Genetics (formerly Invitae), Labcorp
Classification: Uncertain significance for Myofibrillar myopathy 4. Last evaluated: 2025-04-07. Review status: criteria provided, single submitter. Criteria: Invitae Variant Classification Sherloc (09022015). Collection method: clinical testing. Allele origin: germline.
Comment: The LDB3 gene has multiple clinically relevant transcripts. This variant occurs in alternate transcript NM_007078.3, and corresponds to NM_001080116.1:c.321+1637T>A in the primary transcript. This sequence change replaces leucine, which is neutral and non-polar, with histidine, which is basic and polar, at codon 227 of the LDB3 protein (p.Leu227His). This variant is not present in population databases (gnomAD no frequency). This variant has not been reported in the literature in individuals affected with LDB3-related conditions. ClinVar contains an entry for this variant (Variation ID: 1607470). Experimental studies and prediction algorithms are not available or were not evaluated, and the functional significance of this variant is currently unknown. Algorithms developed to predict the effect of sequence changes on RNA splicing suggest that this variant is not likely to affect RNA splicing. In summary, the available evidence is currently insufficient to determine the role of this variant in disease. Therefore, it has been classified as a Variant of Uncertain Significance.